The following is an entry in ClinVar:

NM_001128159.3(VPS53):c.2062A>G (p.Ile688Val)

Gene: VPS53 (VPS53 subunit of GARP complex; minus strand). Cytogenetic location: 17p13.3.
Variant type: single nucleotide variant.
Coding change: c.2062A>G on transcript NM_001128159.3 (MANE Select); coding-DNA position 2062, A replaced by G.
Protein change: p.Ile688Val; replaces isoleucine 688 with valine.
Molecular consequence: missense variant.
Genome position (GRCh38, 1-based): chr17:532,865, T>C on the plus strand (A>G on the coding strand, the complement: VPS53 is on the minus strand). VCF-style: chr17-532865-T-C. GRCh37 (hg19) VCF-style: chr17-436105-T-C.
Other names: c.2062A>G, p.Ile688Val (NM_001366253.2); c.1468A>G, p.Ile490Val (NM_001366254.2); c.1975A>G, p.Ile659Val (NM_018289.4); short protein forms I688V, I490V, I659V.
Identifiers: ClinVar variation 376850 (VCV000376850.42), dbSNP rs140376049, ClinGen allele CA8261199.
Genomic context (GRCh38, chr17:532,865, plus strand): 5'-GCTGCCAGGCAAATGCCTGATACTACGTCCATCTCACCTGTTCTGCTCCCACCATGCTAA[T>C]TGGCTTGCACTTGAAGAGGTGGGTGATGAATTTGGGAATGAAGGAGCTGTGGATAAAAAA-3'
Protein context (NP_001121631.1, residues 678-698): FITHLFKCKP[Ile688Val]SMVGAEQLLL

ClinVar aggregate classification (germline): Benign/Likely benign. Review status: criteria provided, multiple submitters, no conflicts (2 of 4 stars). 8 submissions from 8 submitters: Benign (4); Likely benign (3). 1 of the submissions does not count toward it. Last evaluated 2026-07-01.

Conditions:
Pontocerebellar hypoplasia type 2E. Identifiers: Orphanet 247198, MedGen C4014488, MONDO:0014370, OMIM 615851.
Microcephaly. Also called: Microcephaly (disease). Identifiers: MedGen C4551563, MONDO:0001149, HP:0000252.

Allele frequency attached by ClinVar (database versions not stated): ESP Exome Variant Server 0.00092; gnomAD 0.00139 and 0.00183; TOPMed 0.00186; gnomAD exomes 0.00338; ExAC 0.00354; 1000 Genomes Project 30x 0.00515; 1000 Genomes Project 0.00519.
gnomAD v4.1: 2,964 of 1,614,096 alleles (0.18%); highest among the groups gnomAD compares: South Asian, 1.1%; 20 homozygotes.

Submissions (8):

CeGaT Center for Human Genetics Tuebingen
Classification: Benign. Last evaluated: 2026-07-01. Review status: criteria provided, single submitter. Criteria: CeGaT Center For Human Genetics Tuebingen Variant Classification Criteria Version 2. Collection method: clinical testing. Allele origin: germline. Affected: yes. Observed: 7 variant alleles.
Comment: VPS53: BS1, BS2

Labcorp Genetics (formerly Invitae), Labcorp
Classification: Benign. Last evaluated: 2026-02-02. Review status: criteria provided, single submitter. Criteria: Invitae Variant Classification Sherloc (09022015). Collection method: clinical testing. Allele origin: germline.

Genomic Medicine Center of Excellence, King Faisal Specialist Hospital and Research Centre
Classification: Likely benign. Last evaluated: 2025-08-18. Review status: criteria provided, single submitter. Criteria: ACMG Guidelines, 2015. Collection method: clinical testing. Allele origin: germline.

Genome-Nilou Lab
Classification: Benign for Pontocerebellar hypoplasia type 2E. Last evaluated: 2021-12-05. Review status: criteria provided, single submitter. Criteria: ACMG Guidelines, 2015. Collection method: clinical testing. Allele origin: germline. Affected: no.

GeneDx
Classification: Benign. Last evaluated: 2018-10-31. Review status: criteria provided, single submitter. Criteria: GeneDx Variant Classification Process June 2021. Collection method: clinical testing. Allele origin: germline. Affected: yes.

Center for Pediatric Genomic Medicine, Children's Mercy Hospital and Clinics
Classification: Likely benign. Last evaluated: 2016-09-20. Review status: criteria provided, single submitter. Criteria: ACMG Guidelines, 2015. Collection method: clinical testing. Allele origin: germline.
ClinVar note: Converted during submission from Likely Benign to Likely benign.

Breakthrough Genomics
Classification: Likely benign. Review status: criteria provided, single submitter. Criteria: ACMG Guidelines, 2015. Collection method: not provided. Allele origin: germline. Inheritance: Autosomal recessive inheritance. Affected: yes.

Department of Pediatrics, Samsung Medical Center, Samsung Medical Center
Classification: Uncertain significance for Microcephaly. Review status: no assertion criteria provided. Criteria: ACMG Guidelines, 2015. Collection method: research. Allele origin: germline. Affected: yes. Not counted in ClinVar's aggregate classification.